The following is an entry in ClinVar:

ClinVar aggregate classification (germline): Pathogenic. Review status: criteria provided, multiple submitters, no conflicts (2 of 4 stars). 5 submissions from 5 submitters: Pathogenic (5). Last evaluated 2025-10-07.

Conditions:
Autosomal recessive limb-girdle muscular dystrophy type 2C (LGMDR5). Also called: MUSCULAR DYSTROPHY, DUCHENNE-LIKE; MUSCULAR DYSTROPHY, LIMB-GIRDLE, AUTOSOMAL RECESSIVE 5. Identifiers: Orphanet 353, MedGen C0410173, MONDO:0009677, OMIM 253700. Disease mechanism: Affects gamma-sarcoglycan and also disrupts the integrity of the entire sarcoglycan complex..
Abnormality of the musculature. Identifiers: MedGen C4021745, HP:0003011.

Allele frequency attached by ClinVar (database versions not stated): TOPMed 0.00001.

Submissions (5):

Labcorp Genetics (formerly Invitae), Labcorp
Classification: Pathogenic for Autosomal recessive limb-girdle muscular dystrophy type 2C. Last evaluated: 2025-10-07. Review status: criteria provided, single submitter. Criteria: Invitae Variant Classification Sherloc (09022015). Collection method: clinical testing. Allele origin: germline.
Comment: This sequence change creates a premature translational stop signal (p.Arg166*) in the SGCG gene. It is expected to result in an absent or disrupted protein product. Loss-of-function variants in SGCG are known to be pathogenic (PMID: 18285821). This variant is not present in population databases (gnomAD no frequency). This variant has not been reported in the literature in individuals affected with SGCG-related conditions. ClinVar contains an entry for this variant (Variation ID: 859443). For these reasons, this variant has been classified as Pathogenic.

Natera, Inc.
Classification: Pathogenic for Limb-girdle muscular dystrophy type 2C. Last evaluated: 2025-04-24. Review status: criteria provided, single submitter. Criteria: Natera Variant Classification Schema (03/2026). Collection method: clinical testing. Allele origin: germline.
Comment: The c.496C>T variant in SGCG is a nonsense variant predicted to introduce a stop codon at amino acid 166. This variant is expected to result in nonsense mediated decay, truncation, or a dysfunctional protein product. This variant is rare in the general population with a frequency below the threshold expected for the associated phenotype(s). This variant has been observed in one or more individuals affected with the associated recessive disease, as either homozygous or compound heterozygous with a second variant (PMID: 34624274, 30919934). Given the available evidence, this variant is classified as Pathogenic.

3billion
Classification: Pathogenic for Autosomal recessive limb-girdle muscular dystrophy type 2C. Last evaluated: 2024-09-28. Review status: criteria provided, single submitter. Criteria: ACMG Guidelines, 2015. Collection method: clinical testing. Allele origin: germline. Affected: yes.
Comment: The variant is observed at an extremely low frequency in the gnomAD v4.0.0 dataset (total allele frequency: <0.001%). Predicted Consequence/Location: Stop-gained (nonsense): predicted to result in a loss or disruption of normal protein function through nonsense-mediated decay (NMD) or protein truncation. Multiple pathogenic variants are reported downstream of the variant. The variant has been reported at least twice as pathogenic with clinical assertions and evidence for the classification (ClinVar ID: VCV000859443 /PMID: 30919934). Therefore, this variant is classified as Pathogenic according to the recommendation of ACMG/AMP guideline.

Fulgent Genetics
Classification: Pathogenic for Autosomal recessive limb-girdle muscular dystrophy type 2C. Last evaluated: 2024-05-24. Review status: criteria provided, single submitter. Criteria: ACMG Guidelines, 2015. Collection method: clinical testing. Allele origin: germline.

Kariminejad - Najmabadi Pathology & Genetics Center
Classification: Pathogenic for Abnormality of the musculature. Last evaluated: 2021-07-10. Review status: criteria provided, single submitter. Criteria: ACMG Guidelines, 2015. Collection method: clinical testing. Allele origin: germline. Affected: yes.

Literature cited by the submitters: PubMed 18285821 (cited by Labcorp Genetics (formerly Invitae), Labcorp); PubMed 34624274 (cited by Natera, Inc.); PubMed 30919934 (cited by Natera, Inc. and 3billion).

NM_000231.3(SGCG):c.496C>T (p.Arg166Ter)

Gene: SGCG (sarcoglycan gamma; plus strand). Cytogenetic location: 13q12.12.
Variant type: single nucleotide variant.
Coding change: c.496C>T on transcript NM_000231.3 (MANE Select); coding-DNA position 496, C replaced by T.
Protein change: p.Arg166Ter; replaces arginine 166 with a stop codon.
Molecular consequence: nonsense.
Genome position (GRCh38, 1-based): chr13:23,279,469, C>T. VCF-style: chr13-23279469-C-T. GRCh37 (hg19) VCF-style: chr13-23853608-C-T.
Other names: c.550C>T, p.Arg184Ter (NM_001378244.1); c.496C>T, p.Arg166Ter (NM_001378245.1, NM_001378246.1); short protein forms R166*, R184*.
Identifiers: ClinVar variation 859443 (VCV000859443.39), dbSNP rs1881219252, ClinGen allele CA387504230.
Genomic context (GRCh38, chr13:23,279,469, plus strand): 5'-GACGGCAAGCCACTATTTACTGTAGATGAGAAGGAAGTTGTGGTTGGTACAGATAAACTT[C>T]GAGTAACTGGTATGTACTAACTCGAGAAAAACACAACATTCCATGGAGTACACATCTGCA-3'